The following is an entry in ClinVar:

ClinVar aggregate classification (germline): Likely benign. Review status: criteria provided, multiple submitters, no conflicts (2 of 4 stars). 2 submissions from 2 submitters: Likely benign (2). Last evaluated 2024-11-21.

Allele frequency attached by ClinVar (database versions not stated): ESP Exome Variant Server 0.00031; TOPMed 0.00034; gnomAD exomes 0.00037; ExAC 0.00040; gnomAD 0.00047.
gnomAD v4.1: 602 of 1,612,810 alleles (0.037%); highest among the groups gnomAD compares: Non-Finnish European, 0.044%; 2 homozygotes.

Submissions (2):

Blueprint Genetics
Classification: Likely benign. Last evaluated: 2024-11-21. Review status: criteria provided, single submitter. Criteria: ACMG Guidelines, 2015. Collection method: clinical testing. Allele origin: germline.

CeGaT Center for Human Genetics Tuebingen
Classification: Likely benign. Last evaluated: 2023-07-01. Review status: criteria provided, single submitter. Criteria: CeGaT Center For Human Genetics Tuebingen Variant Classification Criteria Version 2. Collection method: clinical testing. Allele origin: germline. Affected: yes. Observed: 1 variant allele.
Comment: FLG2: BP4, BP7

NM_001014342.3(FLG2):c.6612C>T (p.Ala2204=)

Genes: CCDST (cervical cancer associated DHX9 suppressive transcript; plus strand), FLG2 (filaggrin 2; minus strand). Cytogenetic location: 1q21.3.
Variant type: single nucleotide variant.
Coding change: c.6612C>T on transcript NM_001014342.3 (MANE Select); coding-DNA position 6612, C replaced by T.
Protein change: p.Ala2204=; no amino-acid change (alanine 2204 retained).
Molecular consequence: synonymous variant.
Genome position (GRCh38, 1-based): chr1:152,351,174, G>A on the plus strand (C>T on the coding strand, the complement: FLG2 is on the minus strand). VCF-style: chr1-152351174-G-A. GRCh37 (hg19) VCF-style: chr1-152323650-G-A.
Identifiers: ClinVar variation 2578581 (VCV002578581.26), dbSNP rs143357607, ClinGen allele CA1108243.